The following is an entry in ClinVar:

ClinVar aggregate classification (germline): Conflicting classifications of pathogenicity. Review status: criteria provided, conflicting classifications (1 of 4 stars). 4 submissions from 4 submitters: Uncertain significance (3); Benign (1). Last evaluated 2025-08-23.

gnomAD v4.1: 73 of 1,613,524 alleles (0.0045%); highest among the groups gnomAD compares: Admixed American, 0.12%; no homozygotes.

Submissions (4):

Ambry Genetics
Classification: Uncertain significance. Last evaluated: 2025-08-23. Review status: criteria provided, single submitter. Criteria: Ambry Variant Classification Scheme 2023. Collection method: clinical testing. Allele origin: germline.

Labcorp Genetics (formerly Invitae), Labcorp
Classification: Benign. Last evaluated: 2025-05-05. Review status: criteria provided, single submitter. Criteria: Invitae Variant Classification Sherloc (09022015). Collection method: clinical testing. Allele origin: germline.

Revvity Omics, Revvity
Classification: Uncertain significance. Last evaluated: 2024-11-26. Review status: criteria provided, single submitter. Criteria: ACMG Guidelines, 2015. Collection method: clinical testing. Allele origin: germline.

Mayo Clinic Laboratories, Mayo Clinic
Classification: Uncertain significance. Last evaluated: 2023-06-27. Review status: criteria provided, single submitter. Criteria: ACMG Guidelines, 2015. Collection method: clinical testing. Allele origin: germline. Observed: 1 variant allele.
Comment: BP4_strong

NM_003126.4(SPTA1):c.409C>A (p.Arg137Ser)

Gene: SPTA1 (spectrin alpha, erythrocytic 1; minus strand). Cytogenetic location: 1q23.1.
Variant type: single nucleotide variant.
Coding change: c.409C>A on transcript NM_003126.4 (MANE Select); coding-DNA position 409, C replaced by A.
Protein change: p.Arg137Ser; replaces arginine 137 with serine.
Molecular consequence: missense variant.
Genome position (GRCh38, 1-based): chr1:158,681,649, G>T on the plus strand (C>A on the coding strand, the complement: SPTA1 is on the minus strand). VCF-style: chr1-158681649-G-T. GRCh37 (hg19) VCF-style: chr1-158651439-G-T.
Other names: p.Arg137Ser; short protein forms R137S.
Identifiers: ClinVar variation 2356147 (VCV002356147.10), dbSNP rs772799574, ClinGen allele CA1184148.